The following is an entry in ClinVar:

ClinVar aggregate classification (germline): Uncertain significance (1 of 4 stars; one submission).

Conditions:
GNAS-related disorder. Identifiers: MedGen CN380105.

Submission:

PreventionGenetics, part of Exact Sciences
Classification: Uncertain significance for GNAS-related condition. Last evaluated: 2025-12-30. Review status: criteria provided, single submitter. Criteria: ACMG Guidelines, 2015. Collection method: clinical testing. Allele origin: germline.
Comment: The GNAS c.1762T>A variant is predicted to result in the amino acid substitution p.Cys588Ser. To our knowledge, this variant has not been reported in the literature or in a large population database (gnomAD), indicating this variant is rare. At this time, the clinical significance of this variant is uncertain due to the absence of conclusive functional and genetic evidence.

NM_080425.4(GNAS):c.1762T>A (p.Cys588Ser)

Gene: GNAS (GNAS complex locus; plus strand). Cytogenetic location: 20q13.32.
Variant type: single nucleotide variant.
Coding change: c.1762T>A on transcript NM_080425.4 (MANE Plus Clinical); coding-DNA position 1762, T replaced by A.
Protein change: p.Cys588Ser; replaces cysteine 588 with serine.
Molecular consequence: missense variant. On other transcripts: intron variant (3).
Genome position (GRCh38, 1-based): chr20:58,855,027, T>A. VCF-style: chr20-58855027-T-A. GRCh37 (hg19) VCF-style: chr20-57430082-T-A.
Other names: c.1575T>A, p.Asp525Glu (NM_001077490.3, NM_001309883.1); c.1762T>A, p.Cys588Ser (NM_001410913.1); c.*42+14141T>A (NM_016592.5); c.43+14141T>A (NM_001410912.1); c.-39+13152T>A (NM_001309861.2); short protein forms C588S, D525E.
Identifiers: ClinVar variation 4986920 (VCV004986920.1).